The following is an entry in ClinVar:

NM_058216.3(RAD51C):c.154A>G (p.Ile52Val)

Gene: RAD51C (RAD51 paralog C; plus strand). Cytogenetic location: 17q22.
Variant type: single nucleotide variant.
Coding change: c.154A>G on transcript NM_058216.3 (MANE Select); coding-DNA position 154, A replaced by G.
Protein change: p.Ile52Val; replaces isoleucine 52 with valine.
Molecular consequence: missense variant. On other transcripts: non-coding transcript variant (2).
Genome position (GRCh38, 1-based): chr17:58,694,939, A>G. VCF-style: chr17-58694939-A-G. GRCh37 (hg19) VCF-style: chr17-56772300-A-G.
Other names: c.154A>G, p.Ile52Val (NM_002876.4); short protein forms I52V.
Identifiers: ClinVar variation 1060076 (VCV001060076.9), dbSNP rs730881927, ClinGen allele CA400339546.

ClinVar aggregate classification (germline): Uncertain significance (1 of 4 stars; one submission).

Conditions:
Fanconi anemia complementation group O. Also called: RAD51C-Related Fanconi Anemia. Identifiers: Orphanet 84, MedGen C3150653, MONDO:0013248, OMIM 613390.

gnomAD v4.1: 1 of 1,612,918 alleles (0.000062%); highest among the groups gnomAD compares: Non-Finnish European, 0.000085%; no homozygotes.

Submission:

Labcorp Genetics (formerly Invitae), Labcorp
Classification: Uncertain significance for Fanconi anemia complementation group O. Last evaluated: 2023-07-10. Review status: criteria provided, single submitter. Criteria: Invitae Variant Classification Sherloc (09022015). Collection method: clinical testing. Allele origin: germline.
Comment: In summary, the available evidence is currently insufficient to determine the role of this variant in disease. Therefore, it has been classified as a Variant of Uncertain Significance. Advanced modeling of protein sequence and biophysical properties (such as structural, functional, and spatial information, amino acid conservation, physicochemical variation, residue mobility, and thermodynamic stability) performed at Invitae indicates that this missense variant is not expected to disrupt RAD51C protein function. ClinVar contains an entry for this variant (Variation ID: 1060076). This variant has not been reported in the literature in individuals affected with RAD51C-related conditions. This variant is not present in population databases (gnomAD no frequency). This sequence change replaces isoleucine, which is neutral and non-polar, with valine, which is neutral and non-polar, at codon 52 of the RAD51C protein (p.Ile52Val).